The following is an entry in ClinVar:

ClinVar aggregate classification (germline): Uncertain significance. Review status: criteria provided, single submitter (1 of 4 stars). 2 submissions from 2 submitters: Uncertain significance (1). 1 of the submissions does not count toward it. Last evaluated 2023-09-14.

Conditions:
Cardiovascular phenotype. Identifiers: MedGen CN230736.
Hypertrophic cardiomyopathy 11. Also called: ACTC1-Related Familial Hypertrophic Cardiomyopathy. Identifiers: MedGen C2677506, MONDO:0012799, OMIM 612098.

Submissions (2):

Ambry Genetics
Classification: Uncertain significance for Cardiovascular phenotype. Last evaluated: 2023-09-14. Review status: criteria provided, single submitter. Criteria: Ambry Variant Classification Scheme 2023. Collection method: clinical testing. Allele origin: germline.
Comment: The p.P166A variant (also known as c.496C>G), located in coding exon 3 of the ACTC1 gene, results from a C to G substitution at nucleotide position 496. The proline at codon 166 is replaced by alanine, an amino acid with highly similar properties. This variant (also referred to as Pro164Ala) occurred de novo in a case with pediatric onset hypertrophic cardiomyopathy (Olson TM et al. J Mol Cell Cardiol, 2000 Sep;32:1687-94). This variant has also been detected in a biobank cohort not selected for the presence of cardiovascular disease; however, clinical details were limited (Wright CF et al. Am J Hum Genet. 2019 Feb;104(2):275-286). This amino acid position is highly conserved in available vertebrate species. In addition, this alteration is predicted to be deleterious by in silico analysis. Since supporting evidence is limited at this time, the clinical significance of this alteration remains unclear.

OMIM
Classification: Pathogenic for CARDIOMYOPATHY, FAMILIAL HYPERTROPHIC, 11. Last evaluated: 2000-09-01. Review status: no assertion criteria provided. Collection method: literature only. Allele origin: germline. Not counted in ClinVar's aggregate classification.

Literature cited by the submitters: PubMed 10966831 (cited by Ambry Genetics and OMIM); PubMed 12222827 (cited by Ambry Genetics); PubMed 30665703 (cited by Ambry Genetics).

NM_005159.5(ACTC1):c.496C>G (p.Pro166Ala)

Genes: ACTC1 (actin alpha cardiac muscle 1; minus strand), GJD2-DT (GJD2 divergent transcript; plus strand). Cytogenetic location: 15q14.
Variant type: single nucleotide variant.
Coding change: c.496C>G on transcript NM_005159.5 (MANE Select); coding-DNA position 496, C replaced by G.
Protein change: p.Pro166Ala; replaces proline 166 with alanine.
Molecular consequence: missense variant.
Genome position (GRCh38, 1-based): chr15:34,792,528, G>C on the plus strand (C>G on the coding strand, the complement: ACTC1 is on the minus strand). VCF-style: chr15-34792528-G-C. GRCh37 (hg19) VCF-style: chr15-35084729-G-C.
Other names: P164A; c.496C>G, p.Pro166Ala (LRG_388t1); c.496C>G (NM_005159.4); short protein forms P166A.
Identifiers: ClinVar variation 18330 (VCV000018330.4), dbSNP rs267606628, ClinGen allele CA019794.